The following is an entry in ClinVar:

ClinVar aggregate classification (germline): Pathogenic/Likely pathogenic. Review status: criteria provided, multiple submitters, no conflicts (2 of 4 stars). 5 submissions from 5 submitters: Pathogenic (1); Likely pathogenic (3). 1 of the submissions does not count toward it. Last evaluated 2024-08-26.

Conditions:
TWIST1-related disorder.
TWIST1-related craniosynostosis (CRS1). Also called: CRANIOSYNOSTOSIS 1. Identifiers: Orphanet 63440, MedGen C4551902, MONDO:0007399, OMIM 123100. Inheritance: Heterogenous inheritance pattern.
Saethre-Chotzen syndrome (SCS). Also called: ACROCEPHALY, SKULL ASYMMETRY, AND MILD SYNDACTYLY; ACS III; CHOTZEN SYNDROME. Identifiers: Orphanet 794, MedGen C0175699, MONDO:0007042, OMIM 101400.

Submissions (5):

3billion
Classification: Likely pathogenic for Saethre-Chotzen syndrome. Last evaluated: 2024-08-26. Review status: criteria provided, single submitter. Criteria: ACMG Guidelines, 2015. Collection method: clinical testing. Allele origin: germline. Affected: yes.
Comment: The variant is not observed in the gnomAD v4.0.0 dataset. Predicted Consequence/Location: The variant is located in a mutational hot spot and/or well-established functional domain in which established pathogenic variants have been reported (PMID: 21876555). Inframe insertion located in a nonrepeat region: predicted to change the length of the protein and disrupt normal protein function. The variant has been reported at least twice as pathogenic without evidence for the classification (ClinVar ID: VCV000694504). Therefore, this variant is classified as Likely pathogenic according to the recommendation of ACMG/AMP guideline.

Labcorp Genetics (formerly Invitae), Labcorp
Classification: Pathogenic for TWIST1-related craniosynostosis; Saethre-Chotzen syndrome. Last evaluated: 2023-09-11. Review status: criteria provided, single submitter. Criteria: Invitae Variant Classification Sherloc (09022015). Collection method: clinical testing. Allele origin: germline.
Comment: For these reasons, this variant has been classified as Pathogenic. This variant is located within the conserved loop region of the basic helix-loop-helix (bHLH) domain of the TWIST1 protein. The bHLH domain is essential for protein dimerization and DNA-binding (PMID: 11992718). Four different 7 amino acid in-frame duplications in the loop region have been reported in affected individuals (PMID: 24127277, 16251895, 14513358), which suggests that duplications in this region are deleterious. However, experimental studies testing the effect of the p.Ile134_Ser140dup on protein function have not been reported in the literature. ClinVar contains an entry for this variant (Variation ID: 694504). This variant is also known as c.401_421dup p.Ser140_Asp141ins7, 420_421dup21 S140_D141insIIPTLPS, and duplication 21bp 421 S140IIPTLPS. This variant has been observed in individuals with Saethre–Chotzen syndrome (PMID: 9259286, 14513358, 24127277). This variant is not present in population databases (gnomAD no frequency). This variant, c.400_420dup, results in the insertion of 7 amino acid(s) of the TWIST1 protein (p.Ile134_Ser140dup), but otherwise preserves the integrity of the reading frame.

Blueprint Genetics
Classification: Likely pathogenic for TWIST1-related disorders. Last evaluated: 2019-11-06. Review status: criteria provided, single submitter. Criteria: ACMG Guidelines, 2015. Collection method: clinical testing. Allele origin: germline. Affected: yes. Observed: 1 variant allele.

Klinisk genetik och genomik Research, Gothenburg University
Classification: Likely pathogenic for Saethre-Chotzen syndrome. Last evaluated: 2019-10-17. Review status: criteria provided, single submitter. Criteria: ACMG Guidelines, 2015. Collection method: clinical testing. Allele origin: unknown. Inheritance: Autosomal dominant inheritance. Affected: yes. Observed: 1 heterozygote.

OMIM
Classification: Pathogenic for SAETHRE-CHOTZEN SYNDROME. Last evaluated: 1997-08-01. Review status: no assertion criteria provided. Collection method: literature only. Allele origin: germline. Not counted in ClinVar's aggregate classification.

Literature cited by the submitters: PubMed 21876555 (cited by 3billion); PubMed 11992718 (cited by Labcorp Genetics (formerly Invitae), Labcorp); PubMed 24127277 (cited by Labcorp Genetics (formerly Invitae), Labcorp); PubMed 16251895 (cited by Labcorp Genetics (formerly Invitae), Labcorp); PubMed 14513358 (cited by Labcorp Genetics (formerly Invitae), Labcorp); PubMed 9259286 (cited by Labcorp Genetics (formerly Invitae), Labcorp and OMIM); PubMed 31837199 (cited by Klinisk genetik och genomik Research, Gothenburg University); PubMed 11248247 (cited by OMIM).

NM_000474.4(TWIST1):c.400_420dup (p.Ser140_Asp141insIleIleProThrLeuProSer)

Genes: TWIST1 (twist family bHLH transcription factor 1; minus strand), LOC129998021 (ATAC-STARR-seq lymphoblastoid active region 25682; plus strand). Cytogenetic location: 7p21.1.
Variant type: Duplication.
Coding change: c.400_420dup on transcript NM_000474.4 (MANE Select); coding-DNA positions 400 to 420, 21 bases duplicated (ATCATCCCCACGCTGCCCTCG).
Protein change: p.Ser140_Asp141insIleIleProThrLeuProSer.
Molecular consequence: inframe insertion. On other transcripts: non-coding transcript variant (1).
Genome position (GRCh38, 1-based): chr7:19,116,902-19,116,922, CGAGGGCAGCGTGGGGATGAT duplicated on the plus strand (ATCATCCCCACGCTGCCCTCG on the coding strand, the reverse complement: TWIST1 is on the minus strand); duplicating any 21 consecutive bases within chr7:19,116,902-19,116,923 gives the same sequence; the c. name uses the placement nearest the transcript's 3' end. VCF-style (leftmost placement, unchanged base first): chr7-19116901-C-CCGAGGGCAGCGTGGGGATGAT. GRCh37 (hg19) VCF-style: chr7-19156524-C-CCGAGGGCAGCGTGGGGATGAT.
Other names: c.399_419dup (NM_000474.4).
Identifiers: ClinVar variation 694504 (VCV000694504.14), dbSNP rs1585616948, ClinGen allele CA915944882.